The following is an entry in ClinVar:

ClinVar aggregate classification (germline): Pathogenic (1 of 4 stars; one submission).

Conditions:
Hereditary insensitivity to pain with anhidrosis (CIPA). Also called: INSENSITIVITY TO PAIN, CONGENITAL, WITH ANHIDROSIS; HSAN Type IV; FAMILIAL DYSAUTONOMIA, TYPE II; hereditary sensory and autonomic neuropathy type 4; NTRK1 Congenital Insensitivity to Pain with Anhidrosis; NEUROPATHY, CONGENITAL SENSORY, WITH ANHIDROSIS. Identifiers: Orphanet 642, MedGen C0020074, MONDO:0009746, OMIM 256800.

Submission:

Labcorp Genetics (formerly Invitae), Labcorp
Classification: Pathogenic for Hereditary insensitivity to pain with anhidrosis. Last evaluated: 2023-07-10. Review status: criteria provided, single submitter. Criteria: Invitae Variant Classification Sherloc (09022015). Collection method: clinical testing. Allele origin: germline.
Comment: For these reasons, this variant has been classified as Pathogenic. ClinVar contains an entry for this variant (Variation ID: 1419925). This variant has not been reported in the literature in individuals affected with NTRK1-related conditions. This variant is not present in population databases (gnomAD no frequency). This sequence change creates a premature translational stop signal (p.Asn365Thrfs*99) in the NTRK1 gene. It is expected to result in an absent or disrupted protein product. Loss-of-function variants in NTRK1 are known to be pathogenic (PMID: 10982191).

Literature cited by the submitters: PubMed 10982191.

NM_002529.4(NTRK1):c.1094del (p.Asn365fs)

Gene: NTRK1 (neurotrophic receptor tyrosine kinase 1; plus strand). Cytogenetic location: 1q23.1.
Variant type: Deletion.
Coding change: c.1094del on transcript NM_002529.4 (MANE Select); coding-DNA position 1094, one base deleted (A; older notation c.1094delA).
Protein change: p.Asn365fs; shifts the reading frame from asparagine 365.
Molecular consequence: frameshift variant.
Genome position (GRCh38, 1-based): chr1:156,873,876, A deleted; the last of 2 consecutive A bases (chr1:156,873,875-156,873,876); deleting either gives the same sequence. VCF-style (leftmost placement, unchanged base first): chr1-156873874-CA-C. GRCh37 (hg19) VCF-style: chr1-156843666-CA-C.
Other names: c.1004del, p.Asn335fs (NM_001007792.1); c.1094del, p.Asn365fs (NM_001012331.2); short protein forms N335fs, N365fs.
Identifiers: ClinVar variation 1419925 (VCV001419925.6), dbSNP rs2102906069, ClinGen allele CA2573131117.